The following is an entry in ClinVar:

NM_024809.5(TCTN2):c.1972C>T (p.Gln658Ter)

Gene: TCTN2 (tectonic family member 2; plus strand). Cytogenetic location: 12q24.31.
Variant type: single nucleotide variant.
Coding change: c.1972C>T on transcript NM_024809.5 (MANE Select); coding-DNA position 1972, C replaced by T.
Protein change: p.Gln658Ter; replaces glutamine 658 with a stop codon.
Molecular consequence: nonsense.
Genome position (GRCh38, 1-based): chr12:123,707,061, C>T. VCF-style: chr12-123707061-C-T. GRCh37 (hg19) VCF-style: chr12-124191608-C-T.
Other names: c.1969C>T, p.Gln657Ter (NM_001143850.3); c.1837C>T, p.Gln613Ter (NM_001410989.1); short protein forms Q613*, Q657*, Q658*.
Identifiers: ClinVar variation 3893370 (VCV003893370.1).

ClinVar aggregate classification (germline): Uncertain significance (1 of 4 stars; one submission).

Submission:

GeneDx
Classification: Uncertain significance. Last evaluated: 2024-10-24. Review status: criteria provided, single submitter. Criteria: GeneDx Variant Classification Process June 2021. Collection method: clinical testing. Allele origin: germline. Affected: yes.
Comment: Not observed at significant frequency in large population cohorts (gnomAD); Has not been previously published as pathogenic or benign to our knowledge; Nonsense variant predicted to result in protein truncation as the last 40 amino acids are lost with an unclear effect on protein function